The following is an entry in ClinVar:

NM_001135651.3(EIF2AK2):c.1313C>G (p.Ser438Cys)

Gene: EIF2AK2 (eukaryotic translation initiation factor 2 alpha kinase 2; minus strand). Cytogenetic location: 2p22.2.
Variant type: single nucleotide variant.
Coding change: c.1313C>G on transcript NM_001135651.3 (MANE Select); coding-DNA position 1313, C replaced by G.
Protein change: p.Ser438Cys; replaces serine 438 with cysteine.
Molecular consequence: missense variant.
Genome position (GRCh38, 1-based): chr2:37,114,795, G>C on the plus strand (C>G on the coding strand, the complement: EIF2AK2 is on the minus strand). VCF-style: chr2-37114795-G-C. GRCh37 (hg19) VCF-style: chr2-37341938-G-C.
Other names: c.1190C>G, p.Ser397Cys (NM_001135652.3); c.1313C>G, p.Ser438Cys (NM_002759.4); short protein forms S397C, S438C.
Identifiers: ClinVar variation 2636381 (VCV002636381.2), dbSNP rs2466922428, ClinGen allele CA346299618.

ClinVar aggregate classification (germline): Uncertain significance. Review status: criteria provided, multiple submitters, no conflicts (2 of 4 stars). 2 submissions from 2 submitters: Uncertain significance (2). Last evaluated 2024-11-25.

Conditions:
Inborn genetic diseases. Identifiers: MedGen C0950123, MeSH D030342.
EIF2AK2-related disorder. Also called: EIF2AK2-related condition.

Submissions (2):

Ambry Genetics
Classification: Uncertain significance for Inborn genetic diseases. Last evaluated: 2024-11-25. Review status: criteria provided, single submitter. Criteria: Ambry Variant Classification Scheme 2023. Collection method: clinical testing. Allele origin: germline.

PreventionGenetics, part of Exact Sciences
Classification: Uncertain significance for EIF2AK2-related condition. Last evaluated: 2022-08-23. Review status: criteria provided, single submitter. Criteria: ACMG Guidelines, 2015. Collection method: clinical testing. Allele origin: germline.
Comment: The EIF2AK2 c.1313C>G variant is predicted to result in the amino acid substitution p.Ser438Cys. To our knowledge, this variant has not been reported in the literature or in a large population database, indicating this variant is rare. At this time, the clinical significance of this variant is uncertain due to the absence of conclusive functional and genetic evidence.